The following is an entry in ClinVar:

ClinVar aggregate classification (germline): Uncertain significance (1 of 4 stars; one submission).

Conditions:
Postaxial polydactyly-anterior pituitary anomalies-facial dysmorphism syndrome. Also called: Culler-Jones syndrome. Identifiers: Orphanet 420584, MedGen C4014479, MONDO:0014369, OMIM 615849.
Holoprosencephaly 9 (HPE9). Also called: HOLOPROSENCEPHALY WITH MICROPHTHALMIA AND FIRST BRANCHIAL ARCH ANOMALIES; PITUITARY ANOMALIES WITH HOLOPROSENCEPHALY-LIKE FEATURES. Identifiers: Orphanet 2162, MedGen C1835819, MONDO:0012563, OMIM 610829.

Submission:

Labcorp Genetics (formerly Invitae), Labcorp
Classification: Uncertain significance for Postaxial polydactyly-anterior pituitary anomalies-facial dysmorphism syndrome; Holoprosencephaly 9. Last evaluated: 2024-04-22. Review status: criteria provided, single submitter. Criteria: Invitae Variant Classification Sherloc (09022015). Collection method: clinical testing. Allele origin: germline.
Comment: This sequence change falls in intron 5 of the GLI2 gene. It does not directly change the encoded amino acid sequence of the GLI2 protein. It affects a nucleotide within the consensus splice site. This variant is present in population databases (rs370807708, gnomAD 0.007%). This variant has not been reported in the literature in individuals affected with GLI2-related conditions. Variants that disrupt the consensus splice site are a relatively common cause of aberrant splicing (PMID: 17576681, 9536098). Algorithms developed to predict the effect of sequence changes on RNA splicing suggest that this variant may disrupt the consensus splice site. In summary, the available evidence is currently insufficient to determine the role of this variant in disease. Therefore, it has been classified as a Variant of Uncertain Significance.

Literature cited by the submitters: PubMed 17576681; PubMed 9536098.

NM_001374353.1(GLI2):c.845+5G>T

Gene: GLI2 (GLI family zinc finger 2; plus strand). Cytogenetic location: 2q14.2.
Variant type: single nucleotide variant.
Coding change: c.845+5G>T on transcript NM_001374353.1 (MANE Select); 5 bases into the intron after coding-DNA position 845, G replaced by T.
Molecular consequence: intron variant.
Genome position (GRCh38, 1-based): chr2:120,968,920, G>T. VCF-style: chr2-120968920-G-T. GRCh37 (hg19) VCF-style: chr2-121726496-G-T.
Other names: c.845+5G>T (NM_001371271.1, NM_005270.5); c.470+5G>T (NM_001374354.1).
Identifiers: ClinVar variation 3755969 (VCV003755969.2).